The following is an entry in ClinVar:

NM_000187.4(HGD):c.688C>A (p.Pro230Thr)

Gene: HGD (homogentisate 1,2-dioxygenase; minus strand). Cytogenetic location: 3q13.33.
Variant type: single nucleotide variant.
Coding change: c.688C>A on transcript NM_000187.4 (MANE Select); coding-DNA position 688, C replaced by A.
Protein change: p.Pro230Thr; replaces proline 230 with threonine.
Molecular consequence: missense variant.
Genome position (GRCh38, 1-based): chr3:120,644,405, G>T on the plus strand (C>A on the coding strand, the complement: HGD is on the minus strand). VCF-style: chr3-120644405-G-T. GRCh37 (hg19) VCF-style: chr3-120363252-G-T.
Other names: short protein forms P230T.
Identifiers: ClinVar variation 2627715 (VCV002627715.1), dbSNP rs28942100, ClinGen allele CA354075391.

ClinVar aggregate classification (germline): Pathogenic (0 of 4 stars; one submission).

Conditions:
Alkaptonuria (AKU). Also called: Alkaptonuric ochronosis; Homogentisic acidura; Alcaptonuria; HOMOGENTISIC ACID OXIDASE DEFICIENCY. Identifiers: Orphanet 56, MedGen C0002066, MONDO:0008753, OMIM 203500.

Submission:

Department Of Human Genetics, Institute Of Clinical And Translational Research, Biomedical Research Center, Slovak Academy Of Sciences
Classification: Pathogenic for Alkaptonuria. Review status: no assertion criteria provided. Collection method: research. Allele origin: germline. Inheritance: Autosomal recessive inheritance. Affected: yes. Observed: 1 variant allele.
Comment: The variant was originally described in AKU patient in PMID:10205262. It has been submitted to the HGD gene mutation database (DB-ID: AKU_00075).

Literature cited by the submitters: PubMed 10205262.